The following is an entry in ClinVar:

NM_001754.5(RUNX1):c.58+5_58+7del

Gene: RUNX1 (RUNX family transcription factor 1; minus strand). Cytogenetic location: 21q22.12.
Variant type: Deletion.
Coding change: c.58+5_58+7del on transcript NM_001754.5 (MANE Select); bases 5 to 7 of the intron after coding-DNA position 58, 3 bases deleted (GTA; older notation c.58+5_58+7delGTA).
Molecular consequence: intron variant.
Genome position (GRCh38, 1-based): chr21:35,048,835-35,048,837, TAC deleted on the plus strand (GTA on the coding strand, the reverse complement: RUNX1 is on the minus strand); deleting any 3 consecutive bases within chr21:35,048,835-35,048,838 gives the same sequence; the c. name uses the placement nearest the transcript's 3' end. VCF-style (leftmost placement, unchanged base first): chr21-35048834-GTAC-G. GRCh37 (hg19) VCF-style: chr21-36421131-GTAC-G.
Identifiers: ClinVar variation 2769230 (VCV002769230.5), dbSNP rs2517383786, ClinGen allele CA2697547482.

ClinVar aggregate classification (germline): Uncertain significance. Review status: reviewed by expert panel (3 of 4 stars). 2 submissions from 2 submitters: Uncertain significance (1). 1 of the submissions does not count toward it. Last evaluated 2025-01-15.

Conditions:
Hereditary thrombocytopenia and hematologic cancer predisposition syndrome. Identifiers: Orphanet 71290, MedGen CN281654, MONDO:0011071.
Hereditary thrombocytopenia and hematological cancer predisposition syndrome associated with RUNX1. Also called: Familial Platelet Disorder with Propensity to Acute Myelogenous Leukemia; Familial thrombocytopenia with propensity to acute myelogenous leukemia; PLATELET DISORDER, ASPIRIN-LIKE; RUNX1 Familial Platelet Disorder with Associated Myeloid Malignancies. Identifiers: Orphanet 71290, MedGen C1832388, MeSH C563324, MONDO:0100083, OMIM 601399.

Submissions (2):

ClinGen Myeloid Malignancy Variant Curation Expert Panel
Classification: Uncertain significance for Hereditary thrombocytopenia and hematologic cancer predisposition syndrome. Last evaluated: 2025-01-15. Review status: reviewed by expert panel. Criteria: ClinGen MyeloMalig ACMG Specifications v2. Collection method: curation. Allele origin: germline. Inheritance: Autosomal dominant inheritance.
Comment: NM_001754.5(RUNX1):c.58+5_58+7del is an intronic variant which may impact splicing. This variant has a SpliceAI score ≥ 0.38 (Donor Loss - 0.85) (PP3). This variant is completely absent from all population databases with at least 20x coverage for RUNX1 (PM2_Supporting). In summary, the clinical significance of this variant is uncertain. ACMG/AMP criteria applied, as specified by the Myeloid Malignancy Variant Curation Expert Panel for RUNX1: PP3, PM2_supporting.

Labcorp Genetics (formerly Invitae), Labcorp
Classification: Uncertain significance for Hereditary thrombocytopenia and hematological cancer predisposition syndrome associated with RUNX1. Last evaluated: 2023-10-17. Review status: criteria provided, single submitter. Criteria: Invitae Variant Classification Sherloc (09022015). Collection method: clinical testing. Allele origin: germline. Not counted in ClinVar's aggregate classification.
Comment: This sequence change falls in intron 2 of the RUNX1 gene. It does not directly change the encoded amino acid sequence of the RUNX1 protein. It affects a nucleotide within the consensus splice site. This variant is not present in population databases (gnomAD no frequency). This variant has not been reported in the literature in individuals affected with RUNX1-related conditions. Variants that disrupt the consensus splice site are a relatively common cause of aberrant splicing (PMID: 17576681, 9536098). Algorithms developed to predict the effect of sequence changes on RNA splicing suggest that this variant may disrupt the consensus splice site. In summary, the available evidence is currently insufficient to determine the role of this variant in disease. Therefore, it has been classified as a Variant of Uncertain Significance.

Literature cited by the submitters: PubMed 17576681 (cited by Labcorp Genetics (formerly Invitae), Labcorp); PubMed 9536098 (cited by Labcorp Genetics (formerly Invitae), Labcorp).